The following is an entry in ClinVar:

NM_177972.3(TUB):c.92G>A (p.Arg31Gln)

Gene: TUB (TUB bipartite transcription factor; plus strand). Cytogenetic location: 11p15.4.
Variant type: single nucleotide variant.
Coding change: c.92G>A on transcript NM_177972.3 (MANE Select); coding-DNA position 92, G replaced by A.
Protein change: p.Arg31Gln; replaces arginine 31 with glutamine.
Molecular consequence: missense variant.
Genome position (GRCh38, 1-based): chr11:8,090,070, G>A. VCF-style: chr11-8090070-G-A. GRCh37 (hg19) VCF-style: chr11-8111617-G-A.
Other names: c.257G>A, p.Arg86Gln (NM_003320.5); short protein forms R31Q, R86Q.
Identifiers: ClinVar variation 2634561 (VCV002634561.1), dbSNP rs765032093, ClinGen allele CA5870959.

ClinVar aggregate classification (germline): Uncertain significance (1 of 4 stars; one submission).

Conditions:
TUB-related disorder. Also called: TUB-related condition.

Allele frequency attached by ClinVar (database versions not stated): gnomAD 0.00001; gnomAD exomes 0.00001.
gnomAD v4.1: 17 of 1,602,074 alleles (0.0011%); highest among the groups gnomAD compares: African/African-American, 0.0027%; no homozygotes.

Submission:

PreventionGenetics, part of Exact Sciences
Classification: Uncertain significance for TUB-related condition. Last evaluated: 2022-09-15. Review status: criteria provided, single submitter. Criteria: ACMG Guidelines, 2015. Collection method: clinical testing. Allele origin: germline.
Comment: The TUB c.257G>A variant is predicted to result in the amino acid substitution p.Arg86Gln. To our knowledge, this variant has not been reported in the literature. This variant is reported in 0.0055% of alleles in individuals of East Asian descent in gnomAD. At this time, the clinical significance of this variant is uncertain due to the absence of conclusive functional and genetic evidence.